The following is an entry in ClinVar:

ClinVar aggregate classification (germline): Likely pathogenic (0 of 4 stars; one submission).

Conditions:
TRIP12-related disorder. Also called: TRIP12-related condition.

Submission:

PreventionGenetics, part of Exact Sciences
Classification: Likely pathogenic for TRIP12-related condition. Last evaluated: 2024-09-05. Review status: no assertion criteria provided. Collection method: clinical testing. Allele origin: germline.
Comment: The TRIP12 c.121_128del8 variant is predicted to result in a frameshift and premature protein termination (p.His41Ilefs*2). This variant resides in an alternatively spliced exon, with evidence of low expression. In the canonical transcript used in HGMD, this variant is deep intronic (NM_004238.2:c.99-935_99-928del8). To our knowledge, this variant has not been reported in the literature or in a large population database, indicating it is rare. The TRIP12 gene is constrained against loss-of-function variants, and the exon containing this variant shows similar loss-of-function constraint (gnomAD pLI=1). This variant is interpreted as likely pathogenic.

NM_001348323.3(TRIP12):c.121_128del (p.His41fs)

Gene: TRIP12 (thyroid hormone receptor interactor 12; minus strand). Cytogenetic location: 2q36.3.
Variant type: Deletion.
Coding change: c.121_128del on transcript NM_001348323.3 (MANE Select); coding-DNA positions 121 to 128, 8 bases deleted (CATAAGGG; older notation c.121_128delCATAAGGG).
Protein change: p.His41fs; shifts the reading frame from histidine 41.
Molecular consequence: frameshift variant. On other transcripts: intron variant (7).
Genome position (GRCh38, 1-based): chr2:229,860,502-229,860,509, CCCTTATG deleted on the plus strand (CATAAGGG on the coding strand, the reverse complement: TRIP12 is on the minus strand). VCF-style (leftmost placement, unchanged base first): chr2-229860501-TCCCTTATG-T. GRCh37 (hg19) VCF-style: chr2-230725217-TCCCTTATG-T.
Other names: c.121_128del, p.His41fs (NM_001284214.2, NM_001348315.2, NM_001348319.1 and 15 more transcripts); c.98+19473_98+19480del (NM_001284216.2); c.99-935_99-928del (NM_004238.3, NM_001348331.1, NM_001348317.1 and 3 more transcripts); short protein forms H41fs.
Identifiers: ClinVar variation 3344555 (VCV003344555.1).